The following is an entry in ClinVar:

ClinVar aggregate classification (germline): Uncertain significance. Review status: criteria provided, multiple submitters, no conflicts (2 of 4 stars). 2 submissions from 2 submitters: Uncertain significance (2). Last evaluated 2025-10-02.

Allele frequency attached by ClinVar (database versions not stated): gnomAD exomes 0.00003; ExAC 0.00009; gnomAD 0.00002; TOPMed 0.00001.
gnomAD v4.1: 50 of 1,613,684 alleles (0.0031%); highest among the groups gnomAD compares: South Asian, 0.053%; no homozygotes.

Submissions (2):

Labcorp Genetics (formerly Invitae), Labcorp
Classification: Uncertain significance. Last evaluated: 2025-10-02. Review status: criteria provided, single submitter. Criteria: Invitae Variant Classification Sherloc (09022015). Collection method: clinical testing. Allele origin: germline.
Comment: This sequence change replaces serine, which is neutral and polar, with glycine, which is neutral and non-polar, at codon 2613 of the IGSF10 protein (p.Ser2613Gly). This variant is present in population databases (rs772679531, gnomAD 0.07%), and has an allele count higher than expected for a pathogenic variant. This variant has not been reported in the literature in individuals affected with IGSF10-related conditions. ClinVar contains an entry for this variant (Variation ID: 2410169). An algorithm developed to predict the effect of missense changes on protein structure and function (PolyPhen-2) suggests that this variant is likely to be disruptive. In summary, the available evidence is currently insufficient to determine the role of this variant in disease. Therefore, it has been classified as a Variant of Uncertain Significance.

Ambry Genetics
Classification: Uncertain significance. Last evaluated: 2025-05-19. Review status: criteria provided, single submitter. Criteria: Ambry Variant Classification Scheme 2023. Collection method: clinical testing. Allele origin: germline.

NM_178822.5(IGSF10):c.7837A>G (p.Ser2613Gly)

Gene: IGSF10 (immunoglobulin superfamily member 10; minus strand). Cytogenetic location: 3q25.1.
Variant type: single nucleotide variant.
Coding change: c.7837A>G on transcript NM_178822.5 (MANE Select); coding-DNA position 7837, A replaced by G.
Protein change: p.Ser2613Gly; replaces serine 2613 with glycine.
Molecular consequence: missense variant.
Genome position (GRCh38, 1-based): chr3:151,436,724, T>C on the plus strand (A>G on the coding strand, the complement: IGSF10 is on the minus strand). VCF-style: chr3-151436724-T-C. GRCh37 (hg19) VCF-style: chr3-151154512-T-C.
Other names: c.1774A>G, p.Ser592Gly (NM_001178145.3, NM_001178146.3); c.7837A>G, p.Ser2613Gly (NM_001385060.1, NM_001385061.1, NM_001385062.1 and 1 more transcripts); short protein forms S2613G, S592G.
Identifiers: ClinVar variation 2410169 (VCV002410169.5), dbSNP rs772679531, ClinGen allele CA2669162.
Genomic context (GRCh38, chr3:151,436,724, plus strand): 5'-ATGTTGTTGACTTTATTATTTCATGTCAGATTACTTGAATATACGTTGCTGCATAATCAC[T>C]ACCAAGTGGGTTCTTTGCTGTGCATTTGTATATCCCAGAATCGGAGGTTTGGGGATTCTG-3'
Protein context (NP_849144.2, residues 2603-2623): YKCTAKNPLG[Ser2613Gly]DYAATYIQVI